The following is an entry in ClinVar:

ClinVar aggregate classification (germline): Uncertain significance. Review status: criteria provided, multiple submitters, no conflicts (2 of 4 stars). 3 submissions from 3 submitters: Uncertain significance (2). 1 of the submissions does not count toward it. Last evaluated 2025-04-09.

Conditions:
Inborn genetic diseases. Identifiers: MedGen C0950123, MeSH D030342.
Fanconi anemia complementation group G. Also called: FANCG-Related Fanconi Anemia; Fanconi anemia group G. Identifiers: Orphanet 84, MedGen C3469527, MONDO:0013565, OMIM 614082.
Fanconi anemia (FA). Also called: Fanconi's anemia. Identifiers: Orphanet 84, MedGen C0015625, MeSH D005199, MONDO:0019391.

Allele frequency attached by ClinVar (database versions not stated): gnomAD exomes below 0.00001; ExAC 0.00001; TOPMed 0.00001; gnomAD 0.00002.
gnomAD v4.1: 7 of 1,614,038 alleles (0.00043%); highest among the groups gnomAD compares: African/African-American, 0.0053%; no homozygotes.

Submissions (3):

Ambry Genetics
Classification: Uncertain significance for Inborn genetic diseases. Last evaluated: 2025-04-09. Review status: criteria provided, single submitter. Criteria: Ambry Variant Classification Scheme 2023. Collection method: clinical testing. Allele origin: germline.

Labcorp Genetics (formerly Invitae), Labcorp
Classification: Uncertain significance for Fanconi anemia. Last evaluated: 2024-10-29. Review status: criteria provided, single submitter. Criteria: Invitae Variant Classification Sherloc (09022015). Collection method: clinical testing. Allele origin: germline.
Comment: This sequence change replaces proline, which is neutral and non-polar, with leucine, which is neutral and non-polar, at codon 449 of the FANCG protein (p.Pro449Leu). The frequency data for this variant in the population databases is considered unreliable, as metrics indicate poor data quality at this position in the gnomAD database. This variant has not been reported in the literature in individuals affected with FANCG-related conditions. ClinVar contains an entry for this variant (Variation ID: 961463). Invitae Evidence Modeling of protein sequence and biophysical properties (such as structural, functional, and spatial information, amino acid conservation, physicochemical variation, residue mobility, and thermodynamic stability) indicates that this missense variant is not expected to disrupt FANCG protein function with a negative predictive value of 80%. In summary, the available evidence is currently insufficient to determine the role of this variant in disease. Therefore, it has been classified as a Variant of Uncertain Significance.

Natera, Inc.
Classification: Uncertain significance for Fanconi anemia group G. Last evaluated: 2020-02-13. Review status: no assertion criteria provided. Collection method: clinical testing. Allele origin: germline. Not counted in ClinVar's aggregate classification.

NM_004629.2(FANCG):c.1346C>T (p.Pro449Leu)

Gene: FANCG (FA complementation group G; minus strand). Cytogenetic location: 9p13.3.
Variant type: single nucleotide variant.
Coding change: c.1346C>T on transcript NM_004629.2 (MANE Select); coding-DNA position 1346, C replaced by T.
Protein change: p.Pro449Leu; replaces proline 449 with leucine.
Molecular consequence: missense variant.
Genome position (GRCh38, 1-based): chr9:35,075,552, G>A on the plus strand (C>T on the coding strand, the complement: FANCG is on the minus strand). VCF-style: chr9-35075552-G-A. GRCh37 (hg19) VCF-style: chr9-35075549-G-A.
Other names: short protein forms P449L.
Identifiers: ClinVar variation 961463 (VCV000961463.9), dbSNP rs757442131, ClinGen allele CA5039768.